The following is an entry in ClinVar:

ClinVar aggregate classification (germline): Uncertain significance (1 of 4 stars; one submission).

Submission:

Ambry Genetics
Classification: Uncertain significance. Last evaluated: 2023-02-05. Review status: criteria provided, single submitter. Criteria: Ambry Variant Classification Scheme 2023. Collection method: clinical testing. Allele origin: germline.
Comment: The p.S3489C variant (also known as c.10466C>G), located in coding exon 74 of the PRKDC gene, results from a C to G substitution at nucleotide position 10466. The serine at codon 3489 is replaced by cysteine, an amino acid with dissimilar properties. This amino acid position is conserved. Since supporting evidence is limited at this time, the clinical significance of this alteration remains unclear.

NM_006904.7(PRKDC):c.10466C>G (p.Ser3489Cys)

Gene: PRKDC (protein kinase, DNA-activated, catalytic subunit; minus strand). Cytogenetic location: 8q11.21.
Variant type: single nucleotide variant.
Coding change: c.10466C>G on transcript NM_006904.7 (MANE Select); coding-DNA position 10466, C replaced by G.
Protein change: p.Ser3489Cys; replaces serine 3489 with cysteine.
Molecular consequence: missense variant.
Genome position (GRCh38, 1-based): chr8:47,794,494, G>C on the plus strand (C>G on the coding strand, the complement: PRKDC is on the minus strand). VCF-style: chr8-47794494-G-C. GRCh37 (hg19) VCF-style: chr8-48707055-G-C.
Other names: c.10466C>G, p.Ser3489Cys (NM_001081640.2); short protein forms S3489C.
Identifiers: ClinVar variation 2453010 (VCV002453010.2), dbSNP rs2154497997, ClinGen allele CA371134422.
Genomic context (GRCh38, chr8:47,794,494, plus strand): 5'-TCTTTGTCCAGTAAGGCCACCATGTGGCTGATCCAGCTGATGAACTGCCAGCAGGGAACG[G>C]AAGAGATCTAAAACAGAGAGCTGAAACTTAATGCTGAGTAAAACATCTCACATCATCTGT-3'
Protein context (NP_008835.5, residues 3479-3499): TLSLMTKEIS[Ser3489Cys]VPCWQFISWI